The following is an entry in ClinVar:

NM_178857.6(RP1L1):c.629_641del (p.Leu210fs)

Gene: RP1L1 (RP1 like 1). Cytogenetic location: 8p23.1.
Variant type: Deletion.
Coding change: c.629_641del on transcript NM_178857.6 (MANE Select); coding-DNA positions 629 to 641, 13 bases deleted.
Protein change: p.Leu210fs; shifts the reading frame from leucine 210.
Molecular consequence: frameshift variant.
Genome position: GRCh38 VCF-style: chr8-10616555-GGGGCTGTGCAGCA-G. GRCh37 (hg19) VCF-style: chr8-10474065-GGGGCTGTGCAGCA-G.
Other names: short protein forms L210fs.
Identifiers: ClinVar variation 1483606 (VCV001483606.6), dbSNP rs2117213401, ClinGen allele CA2573142552.

ClinVar aggregate classification (germline): Uncertain significance (1 of 4 stars; one submission).

Submission:

Labcorp Genetics (formerly Invitae), Labcorp
Classification: Uncertain significance. Last evaluated: 2020-12-05. Review status: criteria provided, single submitter. Criteria: Invitae Variant Classification Sherloc (09022015). Collection method: clinical testing. Allele origin: germline.
Comment: In summary, the available evidence is currently insufficient to determine the role of this variant in disease. Therefore, it has been classified as a Variant of Uncertain Significance. Experimental studies and prediction algorithms are not available or were not evaluated, and the functional significance of this variant is currently unknown. This variant has not been reported in the literature in individuals with RP1L1-related conditions. This variant is not present in population databases (ExAC no frequency). This sequence change creates a premature translational stop signal (p.Leu210Profs*17) in the RP1L1 gene. It is expected to result in an absent or disrupted protein product. However, the current clinical and genetic evidence is not sufficient to establish whether loss-of-function variants in RP1L1 cause disease.